The following is an entry in ClinVar:

NM_177438.3(DICER1):c.1006G>C (p.Glu336Gln)

Gene: DICER1 (dicer 1, ribonuclease III; minus strand). Cytogenetic location: 14q32.13.
Variant type: single nucleotide variant.
Coding change: c.1006G>C on transcript NM_177438.3 (MANE Select); coding-DNA position 1006, G replaced by C.
Protein change: p.Glu336Gln; replaces glutamic acid 336 with glutamine.
Molecular consequence: missense variant. On other transcripts: 5 prime UTR variant (1), non-coding transcript variant (6).
Genome position (GRCh38, 1-based): chr14:95,124,566, C>G on the plus strand (G>C on the coding strand, the complement: DICER1 is on the minus strand). VCF-style: chr14-95124566-C-G. GRCh37 (hg19) VCF-style: chr14-95590903-C-G.
Other names: c.1006G>C, p.Glu336Gln (NM_001195573.1, NM_001271282.3, NM_001291628.2 and 14 more transcripts); c.724G>C, p.Glu242Gln (NM_001395686.1); c.601G>C, p.Glu201Gln (NM_001395687.1, NM_001395688.1, NM_001395689.1 and 3 more transcripts); c.439G>C, p.Glu147Gln (NM_001395691.1); c.-563G>C (NM_001395697.1); short protein forms E147Q, E201Q, E242Q, E336Q.
Identifiers: ClinVar variation 4823904 (VCV004823904.2).

ClinVar aggregate classification (germline): Conflicting classifications of pathogenicity. Review status: criteria provided, conflicting classifications (1 of 4 stars). 2 submissions from 2 submitters: Uncertain significance (1); Likely benign (1). Last evaluated 2026-04-12.

Conditions:
Pleuropulmonary blastoma (PPB). Identifiers: Orphanet 64742, MedGen C1266144, MONDO:0011014, OMIM 601200, HP:0100528.
Hereditary cancer-predisposing syndrome. Also called: Hereditary neoplastic syndrome; Neoplastic Syndromes, Hereditary; Tumor predisposition; Hereditary Cancer Syndrome. Identifiers: Orphanet 140162, MedGen C0027672, MeSH D009386, MONDO:0015356.

Submissions (2):

Ambry Genetics
Classification: Uncertain significance for Hereditary cancer-predisposing syndrome. Last evaluated: 2026-04-12. Review status: criteria provided, single submitter. Criteria: Ambry Variant Classification Scheme 2023. Collection method: clinical testing. Allele origin: germline.
Comment: The p.E336Q variant (also known as c.1006G>C), located in coding exon 7 of the DICER1 gene, results from a G to C substitution at nucleotide position 1006. The glutamic acid at codon 336 is replaced by glutamine, an amino acid with highly similar properties. This amino acid position is conserved. In addition, this alteration is predicted to be tolerated by in silico analysis. Based on the available evidence, the clinical significance of this variant remains unclear.

Centre for Medical Genetics,  Mumbai
Classification: Likely benign for Pleuropulmonary blastoma. Last evaluated: 2026-03-26. Review status: criteria provided, single submitter. Criteria: ACMG Guidelines, 2015. Collection method: provider interpretation. Allele origin: germline. Inheritance: Autosomal dominant inheritance. Affected: no. Observed: 1 variant allele, 1 heterozygote.
Comment: The variant satisfies PM2 criteria; Extremely low frequency in gnomAD population databases. The variant satisfies PP2 criteria; Missense variant in a gene with low rate of benign missense mutations and for which missense mutation is a common mechanism of a disease. However, the variant satisfies BS2 criteria.

Literature cited by the submitters: PubMed 19556464 (cited by Centre for Medical Genetics,  Mumbai).